The following is an entry in ClinVar:

ClinVar aggregate classification (germline): Conflicting classifications of pathogenicity. Review status: criteria provided, conflicting classifications (1 of 4 stars). 3 submissions from 3 submitters: Pathogenic (1); Likely pathogenic (1); Uncertain significance (1). Last evaluated 2026-07-02.

Conditions:
Smith-Lemli-Opitz syndrome (SLOS). Also called: 7-Dehydrocholesterol reductase deficiency; POLYDACTYLY, SEX REVERSAL, RENAL HYPOPLASIA, AND UNILOBAR LUNG; RSH SYNDROME; RUTLEDGE LETHAL MULTIPLE CONGENITAL ANOMALY SYNDROME; LETHAL ACRODYSGENITAL SYNDROME. Identifiers: Orphanet 818, MedGen C0175694, MONDO:0010035, OMIM 270400.

Allele frequency attached by ClinVar (database versions not stated): gnomAD 0.00001; gnomAD exomes 0.00001; TOPMed 0.00001; ExAC 0.00002.
gnomAD v4.1: 2 of 1,611,360 alleles (0.00012%); highest among the groups gnomAD compares: Non-Finnish European, 0.00017%; no homozygotes.

Submissions (3):

Myriad Genetics, Inc.
Classification: Uncertain significance for Smith-Lemli-Opitz syndrome. Last evaluated: 2026-07-02. Review status: criteria provided, single submitter. Criteria: Myriad Autosomal Dominant, Autosomal Recessive and X-Linked Classification Criteria (2023). Collection method: clinical testing. Allele origin: unknown.
Comment: NM_001360.2(DHCR7):c.1220A>G(N407S) is a missense variant classified as a variant of uncertain significance in the context of Smith-Lemli-Opitz syndrome. N407S has been observed in a case with relevant disease (PMID: 29455191). Relevant functional assessments of this variant are not available in the literature. Internal structural analysis of the variant is supportive of pathogenicity. N407S has been observed in referenced population frequency databases. In summary, there is insufficient evidence to classify NM_001360.2(DHCR7):c.1220A>G(N407S) as pathogenic or benign. Please note: this variant was assessed in the context of healthy population screening.

GeneDx
Classification: Likely pathogenic. Last evaluated: 2026-03-18. Review status: criteria provided, single submitter. Criteria: GeneDx Variant Classification Process June 2021. Collection method: clinical testing. Allele origin: germline.
Comment: A second variant in DHCR7 was also identified; however, information regarding parental testing was not provided, so it is unclear whether these variants are on separate alleles (in trans) (PMID: 29455191); Not observed at significant frequency in large population cohorts (gnomAD); In silico analysis supports that this missense variant has a deleterious effect on protein structure/function; This variant is associated with the following publications: (PMID: 29455191)

Labcorp Genetics (formerly Invitae), Labcorp
Classification: Pathogenic for Smith-Lemli-Opitz syndrome. Last evaluated: 2025-10-13. Review status: criteria provided, single submitter. Criteria: Invitae Variant Classification Sherloc (09022015). Collection method: clinical testing. Allele origin: germline.
Comment: This sequence change replaces asparagine, which is neutral and polar, with serine, which is neutral and polar, at codon 407 of the DHCR7 protein (p.Asn407Ser). This variant is present in population databases (rs746591926, gnomAD 0.002%). This missense change has been observed in individual(s) with Smith–Lemli–Opitz syndrome (PMID: 2945519). ClinVar contains an entry for this variant (Variation ID: 1455236). Invitae Evidence Modeling of protein sequence and biophysical properties (such as structural, functional, and spatial information, amino acid conservation, physicochemical variation, residue mobility, and thermodynamic stability) indicates that this missense variant is expected to disrupt DHCR7 protein function with a positive predictive value of 95%. This variant disrupts the p.Asn407 amino acid residue in DHCR7. Other variant(s) that disrupt this residue have been determined to be pathogenic (PMID: 10602371, 12818773, 29455191). This suggests that this residue is clinically significant, and that variants that disrupt this residue are likely to be disease-causing. For these reasons, this variant has been classified as Pathogenic.

Literature cited by the submitters: PubMed 29455191 (cited by Myriad Genetics, Inc. and Labcorp Genetics (formerly Invitae), Labcorp); PubMed 2945519 (cited by Labcorp Genetics (formerly Invitae), Labcorp); PubMed 10602371 (cited by Labcorp Genetics (formerly Invitae), Labcorp); PubMed 12818773 (cited by Labcorp Genetics (formerly Invitae), Labcorp).

NM_001360.3(DHCR7):c.1220A>G (p.Asn407Ser)

Gene: DHCR7 (7-dehydrocholesterol reductase; minus strand). Cytogenetic location: 11q13.4.
Variant type: single nucleotide variant.
Coding change: c.1220A>G on transcript NM_001360.3 (MANE Select); coding-DNA position 1220, A replaced by G.
Protein change: p.Asn407Ser; replaces asparagine 407 with serine.
Molecular consequence: missense variant.
Genome position (GRCh38, 1-based): chr11:71,435,583, T>C on the plus strand (A>G on the coding strand, the complement: DHCR7 is on the minus strand). VCF-style: chr11-71435583-T-C. GRCh37 (hg19) VCF-style: chr11-71146629-T-C.
Other names: c.1220A>G (NM_001360.2); c.1220A>G, p.Asn407Ser (NM_001163817.2); short protein forms N407S.
Identifiers: ClinVar variation 1455236 (VCV001455236.9), dbSNP rs746591926, ClinGen allele CA6162284.